The following is an entry in ClinVar:

ClinVar aggregate classification (germline): Likely pathogenic (1 of 4 stars; one submission).

Conditions:
Hereditary spastic paraplegia 15 (SPG15). Also called: SPASTIC PARAPLEGIA 15, AUTOSOMAL RECESSIVE; KJELLIN SYNDROME; SPASTIC PARAPLEGIA AND RETINAL DEGENERATION. Identifiers: Orphanet 100996, MedGen C1849128, MONDO:0010044, OMIM 270700.

Submission:

Myriad Genetics, Inc.
Classification: Likely pathogenic for Hereditary spastic paraplegia 15. Last evaluated: 2022-03-31. Review status: criteria provided, single submitter. Criteria: Myriad Women's Health Autosomal Recessive and X-Linked Classification Criteria (2021). Collection method: clinical testing. Allele origin: unknown.
Comment: NM_015346.3(ZFYVE26):c.878C>A(S293*) is expected to be pathogenic in the context of spastic paraplegia type 15. This variant is predicted to lead to an abnormal or absent protein product due to the creation of a premature termination codon in ZFYVE26, a gene where loss-of-function variants are known to be pathogenic. Please note: this variant was assessed in the context of healthy population screening.

NM_015346.4(ZFYVE26):c.878C>A (p.Ser293Ter)

Gene: ZFYVE26 (zinc finger FYVE-type containing 26; minus strand). Cytogenetic location: 14q24.1.
Variant type: single nucleotide variant.
Coding change: c.878C>A on transcript NM_015346.4 (MANE Select); coding-DNA position 878, C replaced by A.
Protein change: p.Ser293Ter; replaces serine 293 with a stop codon.
Molecular consequence: nonsense.
Genome position (GRCh38, 1-based): chr14:67,807,406, G>T on the plus strand (C>A on the coding strand, the complement: ZFYVE26 is on the minus strand). VCF-style: chr14-67807406-G-T. GRCh37 (hg19) VCF-style: chr14-68274123-G-T.
Other names: short protein forms S293*.
Identifiers: ClinVar variation 1725686 (VCV001725686.2), dbSNP rs374866062, ClinGen allele CA390160541.
Genomic context (GRCh38, chr14:67,807,406, plus strand): 5'-TGGGCATACTGGAATTACTGAAACTAAAGGAGCAGCAGCAAAGGGAACACACCTTTTCCC[G>T]AGGCTGTAGCCCTCGGTGGCTTTTCTGTGACCTTCTCTGCATAGGTATGGCCATACAGGG-3'